The following is an entry in ClinVar:

ClinVar aggregate classification (germline): Uncertain significance. Review status: criteria provided, multiple submitters, no conflicts (2 of 4 stars). 2 submissions from 2 submitters: Uncertain significance (2). Last evaluated 2022-07-12.

Conditions:
Lipoic acid synthetase deficiency. Also called: HYPERGLYCINEMIA, LACTIC ACIDOSIS, AND SEIZURES. Identifiers: Orphanet 401859, MedGen C3280887, MONDO:0013762, OMIM 614462.

Allele frequency attached by ClinVar (database versions not stated): gnomAD exomes below 0.00001; TOPMed below 0.00001.
gnomAD v4.1: 1 of 1,614,154 alleles (0.000062%); highest among the groups gnomAD compares: African/African-American, 0.0013%; no homozygotes.

Submissions (2):

Labcorp Genetics (formerly Invitae), Labcorp
Classification: Uncertain significance for Lipoic acid synthetase deficiency. Last evaluated: 2022-07-12. Review status: criteria provided, single submitter. Criteria: Invitae Variant Classification Sherloc (09022015). Collection method: clinical testing. Allele origin: germline.
Comment: This sequence change replaces serine, which is neutral and polar, with threonine, which is neutral and polar, at codon 145 of the LIAS protein (p.Ser145Thr). This variant is not present in population databases (gnomAD no frequency). This variant has not been reported in the literature in individuals affected with LIAS-related conditions. ClinVar contains an entry for this variant (Variation ID: 804991). Algorithms developed to predict the effect of missense changes on protein structure and function (SIFT, PolyPhen-2, Align-GVGD) all suggest that this variant is likely to be disruptive. In summary, the available evidence is currently insufficient to determine the role of this variant in disease. Therefore, it has been classified as a Variant of Uncertain Significance.

Athena Diagnostics
Classification: Uncertain significance. Last evaluated: 2019-06-26. Review status: criteria provided, single submitter. Criteria: Athena Diagnostics Criteria. Collection method: clinical testing. Allele origin: germline.

NM_006859.4(LIAS):c.433T>A (p.Ser145Thr)

Gene: LIAS (lipoic acid synthetase; plus strand). Cytogenetic location: 4p14.
Variant type: single nucleotide variant.
Coding change: c.433T>A on transcript NM_006859.4 (MANE Select); coding-DNA position 433, T replaced by A.
Protein change: p.Ser145Thr; replaces serine 145 with threonine.
Molecular consequence: missense variant. On other transcripts: intron variant (1).
Genome position (GRCh38, 1-based): chr4:39,465,085, T>A. VCF-style: chr4-39465085-T-A. GRCh37 (hg19) VCF-style: chr4-39466705-T-A.
Other names: c.433T>A, p.Ser145Thr (NM_001278590.2, NM_194451.3); c.299+1480T>A (NM_001363700.2); short protein forms S145T.
Identifiers: ClinVar variation 804991 (VCV000804991.6), dbSNP rs1196830198, ClinGen allele CA356664423.
Genomic context (GRCh38, chr4:39,465,085, plus strand): 5'-ATTGTAACATTTCTATTCTAGTTGATGGGTGACACATGTACAAGAGGTTGCAGATTTTGT[T>A]CTGTTAAGACTGCAAGAAATCCTCCTCCACTGGATGCCAGTGAGCCCTACAATACTGCAA-3'
Protein context (NP_006850.2, residues 135-155): DTCTRGCRFC[Ser145Thr]VKTARNPPPL